The following is an entry in ClinVar:

NM_006393.3(NEBL):c.2762-64T>A

Gene: NEBL (nebulette; minus strand). Cytogenetic location: 10p12.31.
Variant type: single nucleotide variant.
Coding change: c.2762-64T>A on transcript NM_006393.3 (MANE Select); 64 bases into the intron before coding-DNA position 2762, T replaced by A.
Molecular consequence: intron variant.
Genome position (GRCh38, 1-based): chr10:20,787,372, A>T on the plus strand (T>A on the coding strand, the complement: NEBL is on the minus strand). VCF-style: chr10-20787372-A-T. GRCh37 (hg19) VCF-style: chr10-21076301-A-T.
Other names: c.422-64T>A (NM_001377326.1, NM_001377327.1, NM_001377328.1); c.530-64T>A (NM_213569.2, NM_001173484.2); c.623-64T>A (NM_001377322.1); c.473-64T>A (NM_001377324.1); c.464-64T>A (NM_001377325.1); c.482-64T>A (NM_001377323.1).
Identifiers: ClinVar variation 674103 (VCV000674103.1), dbSNP rs7101127, ClinGen allele CA203252838.

ClinVar aggregate classification (germline): Likely benign (1 of 4 stars; one submission).

Allele frequency attached by ClinVar (database versions not stated): gnomAD exomes 0.00121; gnomAD 0.01240 and 0.01312; TOPMed 0.01456; 1000 Genomes Project 0.01518; 1000 Genomes Project 30x 0.01562.
gnomAD v4.1: 3,357 of 1,299,036 alleles (0.26%); highest among the groups gnomAD compares: African/African-American, 4%; 68 homozygotes.

Submission:

GeneDx
Classification: Likely benign. Last evaluated: 2018-06-14. Review status: criteria provided, single submitter. Criteria: GeneDx Variant Classification (06012015). Collection method: clinical testing. Allele origin: germline. Affected: yes.
Comment: This variant is considered likely benign or benign based on one or more of the following criteria: it is a conservative change, it occurs at a poorly conserved position in the protein, it is predicted to be benign by multiple in silico algorithms, and/or has population frequency not consistent with disease.